The following is an entry in ClinVar:

ClinVar aggregate classification (germline): Uncertain significance (1 of 4 stars; one submission).

Conditions:
Epidermodysplasia verruciformis. Identifiers: Orphanet 302, MedGen C0014522, MONDO:0009176.

Submission:

Labcorp Genetics (formerly Invitae), Labcorp
Classification: Uncertain significance for Epidermodysplasia verruciformis. Last evaluated: 2021-04-03. Review status: criteria provided, single submitter. Criteria: Invitae Variant Classification Sherloc (09022015). Collection method: clinical testing. Allele origin: germline.
Comment: In summary, the available evidence is currently insufficient to determine the role of this variant in disease. Therefore, it has been classified as a Variant of Uncertain Significance. Experimental studies and prediction algorithms are not available or were not evaluated, and the functional significance of this variant is currently unknown. This variant has not been reported in the literature in individuals with TMC8-related conditions. This variant results in a copy number gain of the genomic region encompassing exon(s) 1-2 of the TMC8 gene. This region includes the initiator codon of the gene. The 5' end of this event is unknown as it extends beyond the assayed region for this gene and therefore may encompass additional genes. The 3' boundary is likely confined to intron 2 of the TMC8 gene. As the precise location of this event is unknown, it may be in tandem or it may be located elsewhere in the genome.

NC_000017.10:g.(?_76004208)_(76127818_?)dup

Genes: TMC6 (transmembrane channel like 6; minus strand), TMC8 (transmembrane channel like 8; plus strand), TNRC6C (trinucleotide repeat containing adaptor 6C; plus strand). Cytogenetic location: 17q25.3.
Variant type: Duplication.
Identifiers: ClinVar variation 1412809 (VCV001412809.2).